The following is an entry in ClinVar:

NM_001292063.2(OTOG):c.2192G>A (p.Arg731His)

Gene: OTOG (otogelin; plus strand). Cytogenetic location: 11p15.1.
Variant type: single nucleotide variant.
Coding change: c.2192G>A on transcript NM_001292063.2 (MANE Select); coding-DNA position 2192, G replaced by A.
Protein change: p.Arg731His; replaces arginine 731 with histidine.
Molecular consequence: missense variant.
Genome position (GRCh38, 1-based): chr11:17,573,189, G>A. VCF-style: chr11-17573189-G-A. GRCh37 (hg19) VCF-style: chr11-17594736-G-A.
Other names: c.2228G>A, p.Arg743His (NM_001277269.2); short protein forms R743H, R731H.
Identifiers: ClinVar variation 1489333 (VCV001489333.7), dbSNP rs763745890, ClinGen allele CA5905587.

ClinVar aggregate classification (germline): Uncertain significance. Review status: criteria provided, multiple submitters, no conflicts (2 of 4 stars). 2 submissions from 2 submitters: Uncertain significance (2). Last evaluated 2024-09-04.

Allele frequency attached by ClinVar (database versions not stated): gnomAD 0.00001; gnomAD exomes 0.00003; ExAC 0.00008.
gnomAD v4.1: 17 of 1,539,862 alleles (0.0011%); highest among the groups gnomAD compares: East Asian, 0.0098%; no homozygotes.

Submissions (2):

Blueprint Genetics
Classification: Uncertain significance. Last evaluated: 2024-09-04. Review status: criteria provided, single submitter. Criteria: ACMG Guidelines, 2015. Collection method: clinical testing. Allele origin: germline.

Labcorp Genetics (formerly Invitae), Labcorp
Classification: Uncertain significance. Last evaluated: 2021-08-18. Review status: criteria provided, single submitter. Criteria: Invitae Variant Classification Sherloc (09022015). Collection method: clinical testing. Allele origin: germline.
Comment: This sequence change replaces arginine with histidine at codon 743 of the OTOG protein (p.Arg743His). The arginine residue is moderately conserved and there is a small physicochemical difference between arginine and histidine. While this variant is present in population databases (rs763745890), the frequency information is unreliable, as metrics indicate poor data quality at this position in the ExAC database. This variant has not been reported in the literature in individuals affected with OTOG-related conditions. Algorithms developed to predict the effect of missense changes on protein structure and function (SIFT, PolyPhen-2, Align-GVGD) all suggest that this variant is likely to be tolerated. In summary, the available evidence is currently insufficient to determine the role of this variant in disease. Therefore, it has been classified as a Variant of Uncertain Significance.